The following is an entry in ClinVar:

NM_001256545.2(MEGF10):c.2728+61T>C

Gene: MEGF10 (multiple EGF like domains 10; plus strand). Cytogenetic location: 5q23.2.
Variant type: single nucleotide variant.
Coding change: c.2728+61T>C on transcript NM_001256545.2 (MANE Select); 61 bases into the intron after coding-DNA position 2728, T replaced by C.
Molecular consequence: intron variant.
Genome position (GRCh38, 1-based): chr5:127,445,754, T>C. VCF-style: chr5-127445754-T-C. GRCh37 (hg19) VCF-style: chr5-126781446-T-C.
Other names: c.2728+61T>C (NM_032446.3).
Identifiers: ClinVar variation 672415 (VCV000672415.1), dbSNP rs2270933, ClinGen allele CA126967110.

ClinVar aggregate classification (germline): Benign (1 of 4 stars; one submission).

Allele frequency attached by ClinVar (database versions not stated): gnomAD exomes 0.06195; gnomAD 0.12363 and 0.12698; TOPMed 0.13235; 1000 Genomes Project 0.15335; 1000 Genomes Project 30x 0.15646.
gnomAD v4.1: 86,150 of 1,228,786 alleles (7%); highest among the groups gnomAD compares: African/African-American, 30%; 5,262 homozygotes.

Submission:

GeneDx
Classification: Benign. Last evaluated: 2018-06-16. Review status: criteria provided, single submitter. Criteria: GeneDx Variant Classification (06012015). Collection method: clinical testing. Allele origin: germline. Affected: yes.
Comment: This variant is considered likely benign or benign based on one or more of the following criteria: it is a conservative change, it occurs at a poorly conserved position in the protein, it is predicted to be benign by multiple in silico algorithms, and/or has population frequency not consistent with disease.